The following is an entry in ClinVar:

NM_001127222.2(CACNA1A):c.5706A>G (p.Thr1902=)

Gene: CACNA1A (calcium voltage-gated channel subunit alpha1 A; minus strand). Cytogenetic location: 19p13.13.
Variant type: single nucleotide variant.
Coding change: c.5706A>G on transcript NM_001127222.2 (MANE Select); coding-DNA position 5706, A replaced by G.
Protein change: p.Thr1902=; no amino-acid change (threonine 1902 retained).
Molecular consequence: synonymous variant.
Genome position (GRCh38, 1-based): chr19:13,224,692, T>C on the plus strand (A>G on the coding strand, the complement: CACNA1A is on the minus strand). VCF-style: chr19-13224692-T-C. GRCh37 (hg19) VCF-style: chr19-13335506-T-C.
Other names: c.5706A>G (NM_001127222.1); c.5724A>G, p.Thr1908= (NM_000068.4, NM_023035.3); c.5709A>G, p.Thr1903= (NM_001127221.2); c.5715A>G, p.Thr1905= (NM_001174080.2).
Identifiers: ClinVar variation 758099 (VCV000758099.13), dbSNP rs1434572084, ClinGen allele CA505660300.
Genomic context (GRCh38, chr19:13,224,692, plus strand): 5'-ACGCCTGTCTGTGCCCGCCCCTGTCCCTTCCTTACCCTTGGCAATCTTGATGTCCAGGGC[T>C]GTGCGGATCAGAGCCATGAGGGTGGAATTGAAGTGGACGGTGTTGTCATCTGCGACGGGC-3'
Protein context (NP_001120694.1, residues 1892-1912): FNSTLMALIR[Thr1902=]ALDIKIAKGG

ClinVar aggregate classification (germline): Likely benign. Review status: criteria provided, single submitter (1 of 4 stars). 2 submissions from 2 submitters: Likely benign (1). 1 of the submissions does not count toward it. Last evaluated 2025-12-15.

Conditions:
Episodic ataxia type 2 (EA2). Also called: ATAXIA, EPISODIC, WITH NYSTAGMUS; ATAXIA, FAMILIAL PAROXYSMAL; CEREBELLAR ATAXIA, PAROXYSMAL, ACETAZOLAMIDE-RESPONSIVE; CEREBELLOPATHY, HEREDITARY PAROXYSMAL; EPISODIC ATAXIA, NYSTAGMUS-ASSOCIATED; ACETAZOLAMIDE-RESPONSIVE HEREDITARY PAROXYSMAL CEREBELLAR ATAXIA. Identifiers: Orphanet 97, MedGen C1720416, MONDO:0007163, OMIM 108500.
Developmental and epileptic encephalopathy, 42 (DEE42A). Also called: Epileptic encephalopathy, early infantile, 42; DEVELOPMENTAL AND EPILEPTIC ENCEPHALOPATHY 42A; EPILEPTIC ENCEPHALOPATHY, EARLY INFANTILE, 42A. Identifiers: MedGen C4310716, MONDO:0014917, OMIM 617106.
CACNA1A-related disorder. Also called: CACNA1A-related condition.

Allele frequency attached by ClinVar (database versions not stated): gnomAD exomes below 0.00001 and 0.00001; TOPMed below 0.00001.
gnomAD v4.1: 5 of 1,612,522 alleles (0.00031%); highest among the groups gnomAD compares: Admixed American, 0.0017%; no homozygotes.

Submissions (2):

Labcorp Genetics (formerly Invitae), Labcorp
Classification: Likely benign for Developmental and epileptic encephalopathy, 42; Episodic ataxia type 2. Last evaluated: 2025-12-15. Review status: criteria provided, single submitter. Criteria: Invitae Variant Classification Sherloc (09022015). Collection method: clinical testing. Allele origin: germline.

PreventionGenetics, part of Exact Sciences
Classification: Likely benign for CACNA1A-related condition. Last evaluated: 2020-02-27. Review status: no assertion criteria provided. Collection method: clinical testing. Allele origin: germline. Not counted in ClinVar's aggregate classification.
Comment: This variant is classified as likely benign based on ACMG/AMP sequence variant interpretation guidelines (Richards et al. 2015 PMID: 25741868, with internal and published modifications).